The following is an entry in ClinVar:

ClinVar aggregate classification (germline): Uncertain significance (1 of 4 stars; one submission).

Conditions:
Inborn genetic diseases. Identifiers: MedGen C0950123, MeSH D030342.

Submission:

Ambry Genetics
Classification: Uncertain significance for Inborn genetic diseases. Last evaluated: 2025-08-15. Review status: criteria provided, single submitter. Criteria: Ambry Variant Classification Scheme 2023. Collection method: clinical testing. Allele origin: germline.
Comment: The p.I39F variant (also known as c.115A>T), located in coding exon 1 of the WT1 gene, results from an A to T substitution at nucleotide position 115. The isoleucine at codon 39 is replaced by phenylalanine, an amino acid with highly similar properties. This amino acid position is conserved. In addition, this alteration is predicted to be tolerated by in silico analysis. Based on the available evidence, the clinical significance of this variant remains unclear.

NM_024426.6(WT1):c.130A>T (p.Ile44Phe)

Genes: WT1 (WT1 transcription factor; minus strand), LOC107982234 (WT1/WT1-AS bi-directional promoter region; plus strand). Cytogenetic location: 11p13.
Variant type: single nucleotide variant.
Coding change: c.130A>T on transcript NM_024426.6 (MANE Select); coding-DNA position 130, A replaced by T.
Protein change: p.Ile44Phe; replaces isoleucine 44 with phenylalanine.
Molecular consequence: missense variant. On other transcripts: 5 prime UTR variant (4), non-coding transcript variant (2).
Genome position (GRCh38, 1-based): chr11:32,435,231, T>A on the plus strand (A>T on the coding strand, the complement: WT1 is on the minus strand). VCF-style: chr11-32435231-T-A. GRCh37 (hg19) VCF-style: chr11-32456777-T-A.
Other names: c.130A>T, p.Ile44Phe (NM_000378.6, NM_001407044.1, NM_001407045.1 and 6 more transcripts); c.-90A>T (NM_001429031.1, NM_001429032.1, NM_001429033.1 and 1 more transcripts); short protein forms I44F, I39F.
Identifiers: ClinVar variation 4202241 (VCV004202241.1).